The following is an entry in ClinVar:

NM_001378454.1(ALMS1):c.6049A>G (p.Ser2017Gly)

Gene: ALMS1 (ALMS1 centrosome and basal body associated protein; plus strand). Cytogenetic location: 2p13.1.
Variant type: single nucleotide variant.
Coding change: c.6049A>G on transcript NM_001378454.1 (MANE Select); coding-DNA position 6049, A replaced by G.
Protein change: p.Ser2017Gly; replaces serine 2017 with glycine.
Molecular consequence: missense variant.
Genome position (GRCh38, 1-based): chr2:73,452,576, A>G. VCF-style: chr2-73452576-A-G. GRCh37 (hg19) VCF-style: chr2-73679703-A-G.
Other names: c.6052A>G, p.Ser2018Gly (NM_015120.4); short protein forms S2018G, S2017G.
Identifiers: ClinVar variation 1443837 (VCV001443837.4), dbSNP rs1021572525, ClinGen allele CA50397380.

ClinVar aggregate classification (germline): Conflicting classifications of pathogenicity. Review status: criteria provided, conflicting classifications (1 of 4 stars). 2 submissions from 2 submitters: Uncertain significance (1); Likely benign (1). Last evaluated 2024-09-05.

Conditions:
Cardiovascular phenotype. Identifiers: MedGen CN230736.
Alstrom syndrome (ALMS). Identifiers: Orphanet 64, MedGen C0268425, MONDO:0008763, OMIM 203800.

Allele frequency attached by ClinVar (database versions not stated): gnomAD exomes below 0.00001 and 0.00001; TOPMed below 0.00001; gnomAD 0.00001.
gnomAD v4.1: 19 of 1,614,018 alleles (0.0012%); highest among the groups gnomAD compares: Non-Finnish European, 0.0016%; no homozygotes.

Submissions (2):

Ambry Genetics
Classification: Likely benign for Cardiovascular phenotype. Last evaluated: 2024-09-05. Review status: criteria provided, single submitter. Criteria: Ambry Variant Classification Scheme 2023. Collection method: clinical testing. Allele origin: germline.

Labcorp Genetics (formerly Invitae), Labcorp
Classification: Uncertain significance for Alstrom syndrome. Last evaluated: 2021-04-14. Review status: criteria provided, single submitter. Criteria: Invitae Variant Classification Sherloc (09022015). Collection method: clinical testing. Allele origin: germline.
Comment: This sequence change replaces serine with glycine at codon 2018 of the ALMS1 protein (p.Ser2018Gly). The serine residue is weakly conserved and there is a small physicochemical difference between serine and glycine. This variant is not present in population databases (ExAC no frequency). This variant has not been reported in the literature in individuals with ALMS1-related conditions. Experimental studies and prediction algorithms are not available or were not evaluated, and the functional significance of this variant is currently unknown. In summary, the available evidence is currently insufficient to determine the role of this variant in disease. Therefore, it has been classified as a Variant of Uncertain Significance.